The following is an entry in ClinVar:

ClinVar aggregate classification (germline): Uncertain significance (1 of 4 stars; one submission).

Conditions:
MHC class II deficiency. Also called: Bare lymphocyte syndrome 2; BLS, TYPE II. Identifiers: Orphanet 572, MedGen C5447452, MONDO:0008855.

Allele frequency attached by ClinVar (database versions not stated): TOPMed 0.00002.
gnomAD v4.1: 3 of 1,614,148 alleles (0.00019%); highest among the groups gnomAD compares: East Asian, 0.0022%; no homozygotes.

Submission:

Labcorp Genetics (formerly Invitae), Labcorp
Classification: Uncertain significance for MHC class II deficiency. Last evaluated: 2023-06-24. Review status: criteria provided, single submitter. Criteria: Invitae Variant Classification Sherloc (09022015). Collection method: clinical testing. Allele origin: germline.
Comment: In summary, the available evidence is currently insufficient to determine the role of this variant in disease. Therefore, it has been classified as a Variant of Uncertain Significance. Algorithms developed to predict the effect of missense changes on protein structure and function output the following: SIFT: "Not Available"; PolyPhen-2: "Benign"; Align-GVGD: "Not Available". The arginine amino acid residue is found in multiple mammalian species, which suggests that this missense change does not adversely affect protein function. ClinVar contains an entry for this variant (Variation ID: 2188570). This variant has not been reported in the literature in individuals affected with RFX5-related conditions. This variant is present in population databases (no rsID available, gnomAD 0.006%). This sequence change replaces glycine, which is neutral and non-polar, with arginine, which is basic and polar, at codon 372 of the RFX5 protein (p.Gly372Arg).

NM_001025603.2(RFX5):c.1114G>A (p.Gly372Arg)

Gene: RFX5 (regulatory factor X5; minus strand). Cytogenetic location: 1q21.3.
Variant type: single nucleotide variant.
Coding change: c.1114G>A on transcript NM_001025603.2 (MANE Select); coding-DNA position 1114, G replaced by A.
Protein change: p.Gly372Arg; replaces glycine 372 with arginine.
Molecular consequence: missense variant.
Genome position (GRCh38, 1-based): chr1:151,342,923, C>T on the plus strand (G>A on the coding strand, the complement: RFX5 is on the minus strand). VCF-style: chr1-151342923-C-T. GRCh37 (hg19) VCF-style: chr1-151315399-C-T.
Other names: c.1114G>A, p.Gly372Arg (NM_001379417.1, NM_001379418.1, NM_000449.4 and 5 more transcripts); c.994G>A, p.Gly332Arg (NM_001379419.1, NM_001379420.1); short protein forms G372R, G332R.
Identifiers: ClinVar variation 2188570 (VCV002188570.3), dbSNP rs968244065, ClinGen allele CA29558516.